The following is an entry in ClinVar:

NM_018941.4(CLN8):c.859dup (p.Ter287LeuextTer?)

Gene: CLN8 (CLN8 transmembrane ER and ERGIC protein; plus strand). Cytogenetic location: 8p23.3.
Variant type: Duplication.
Coding change: c.859dup on transcript NM_018941.4 (MANE Select); coding-DNA position 859, one base duplicated (T; older notation c.859dupT).
Protein change: p.Ter287LeuextTer?.
Molecular consequence: frameshift variant, stop lost.
Genome position (GRCh38, 1-based): chr8:1,780,565, T duplicated. VCF-style (leftmost placement, unchanged base first): chr8-1780564-A-AT. GRCh37 (hg19) VCF-style: chr8-1728730-A-AT.
Identifiers: ClinVar variation 1396473 (VCV001396473.6), dbSNP rs2129015346, ClinGen allele CA2573142544.

ClinVar aggregate classification (germline): Uncertain significance (1 of 4 stars; one submission).

Conditions:
Neuronal ceroid lipofuscinosis. Also called: Neuronal Ceroid Lipofuscinoses. Identifiers: Orphanet 216, Orphanet 79263, MedGen C0027877, MONDO:0016295. Disease mechanism: loss of function.

Submission:

Labcorp Genetics (formerly Invitae), Labcorp
Classification: Uncertain significance for Neuronal ceroid lipofuscinosis. Last evaluated: 2021-12-06. Review status: criteria provided, single submitter. Criteria: Invitae Variant Classification Sherloc (09022015). Collection method: clinical testing. Allele origin: germline.
Comment: This sequence change disrupts the translational stop signal of the CLN8 mRNA. It is expected to extend the length of the CLN8 protein by 23 additional amino acid residues. This variant is not present in population databases (gnomAD no frequency). This variant has not been reported in the literature in individuals affected with CLN8-related conditions. Experimental studies and prediction algorithms are not available or were not evaluated, and the functional significance of this variant is currently unknown. In summary, the available evidence is currently insufficient to determine the role of this variant in disease. Therefore, it has been classified as a Variant of Uncertain Significance.